The following is an entry in ClinVar:

NM_005219.5(DIAPH1):c.-28G>C

Gene: DIAPH1 (diaphanous related formin 1; minus strand). Cytogenetic location: 5q31.3.
Variant type: single nucleotide variant.
Coding change: c.-28G>C on transcript NM_005219.5 (MANE Select); 28 bases upstream of the start codon, G replaced by C.
Molecular consequence: 5 prime UTR variant.
Genome position (GRCh38, 1-based): chr5:141,618,942, C>G on the plus strand (G>C on the coding strand, the complement: DIAPH1 is on the minus strand). VCF-style: chr5-141618942-C-G. GRCh37 (hg19) VCF-style: chr5-140998509-C-G.
Other names: c.-28G>C (NM_001079812.3, NM_001314007.2).
Identifiers: ClinVar variation 351309 (VCV000351309.5), dbSNP rs573787753, ClinGen allele CA3479725.

ClinVar aggregate classification (germline): Likely benign (1 of 4 stars; one submission).

Conditions:
Autosomal dominant nonsyndromic hearing loss 1. Also called: KONIGSMARK SYNDROME; DEAFNESS, AUTOSOMAL DOMINANT 1, WITH OR WITHOUT THROMBOCYTOPENIA. Identifiers: Orphanet 90635, MedGen C1852282, MONDO:0007424, OMIM 124900.

Allele frequency attached by ClinVar (database versions not stated): gnomAD 0.00013; TOPMed 0.00013; gnomAD exomes 0.00023; ExAC 0.00026.
gnomAD v4.1: 231 of 1,339,320 alleles (0.017%); highest among the groups gnomAD compares: Non-Finnish European, 0.022%; no homozygotes.

Submission:

Illumina Laboratory Services, Illumina
Classification: Likely benign for Autosomal dominant nonsyndromic hearing loss 1. Last evaluated: 2018-01-12. Review status: criteria provided, single submitter. Criteria: ICSL Variant Classification Criteria 13 December 2019. Collection method: clinical testing. Allele origin: germline.
Comment: This variant was observed in the ICSL laboratory as part of a predisposition screen in an ostensibly healthy population. It had not been previously curated by ICSL or reported in the Human Gene Mutation Database (HGMD: prior to June 1st, 2018), and was therefore a candidate for classification through an automated scoring system. Utilizing variant allele frequency, disease prevalence and penetrance estimates, and inheritance mode, an automated score was calculated to assess if this variant is too frequent to cause the disease. Based on the score and internal cut-off values, a variant classified as likely benign is not then subjected to further curation. The score for this variant resulted in a classification of likely benign for this disease.